The following is an entry in ClinVar:

ClinVar aggregate classification (germline): Uncertain significance (1 of 4 stars; one submission).

Conditions:
Tuberous sclerosis 1 (TSC1). Identifiers: Orphanet 805, MedGen C1854465, MONDO:0008612, OMIM 191100.

Submission:

Labcorp Genetics (formerly Invitae), Labcorp
Classification: Uncertain significance for Tuberous sclerosis 1. Last evaluated: 2024-05-18. Review status: criteria provided, single submitter. Criteria: Invitae Variant Classification Sherloc (09022015). Collection method: clinical testing. Allele origin: germline.
Comment: This sequence change replaces glutamine, which is neutral and polar, with proline, which is neutral and non-polar, at codon 936 of the TSC1 protein (p.Gln936Pro). This variant is not present in population databases (gnomAD no frequency). This variant has not been reported in the literature in individuals affected with TSC1-related conditions. Advanced modeling of protein sequence and biophysical properties (such as structural, functional, and spatial information, amino acid conservation, physicochemical variation, residue mobility, and thermodynamic stability) performed at Invitae indicates that this missense variant is not expected to disrupt TSC1 protein function with a negative predictive value of 95%. In summary, the available evidence is currently insufficient to determine the role of this variant in disease. Therefore, it has been classified as a Variant of Uncertain Significance.

NM_000368.5(TSC1):c.2807A>C (p.Gln936Pro)

Gene: TSC1 (TSC complex subunit 1; minus strand). Cytogenetic location: 9q34.13.
Variant type: single nucleotide variant.
Coding change: c.2807A>C on transcript NM_000368.5 (MANE Select); coding-DNA position 2807, A replaced by C.
Protein change: p.Gln936Pro; replaces glutamine 936 with proline.
Molecular consequence: missense variant. On other transcripts: non-coding transcript variant (5).
Genome position (GRCh38, 1-based): chr9:132,897,429, T>G on the plus strand (A>C on the coding strand, the complement: TSC1 is on the minus strand). VCF-style: chr9-132897429-T-G. GRCh37 (hg19) VCF-style: chr9-135772816-T-G.
Other names: c.2804A>C, p.Gln935Pro (NM_001162426.2, NM_001406597.1, NM_001406598.1 and 2 more transcripts); c.2654A>C, p.Gln885Pro (NM_001162427.2, NM_001406610.1); c.2444A>C, p.Gln815Pro (NM_001362177.2, NM_001406614.1, NM_001406615.1 and 4 more transcripts); c.2807A>C, p.Gln936Pro (NM_001406592.1, NM_001406593.1, NM_001406594.1 and 2 more transcripts); c.2792A>C, p.Gln931Pro (NM_001406601.1, NM_001406602.1); c.2789A>C, p.Gln930Pro (NM_001406603.1, NM_001406604.1); c.2765A>C, p.Gln922Pro (NM_001406605.1, NM_001406606.1, NM_001406607.1); c.2762A>C, p.Gln921Pro (NM_001406608.1, NM_001406609.1); and 8 more; short protein forms Q618P, Q801P, Q884P, Q921P, Q931P, Q800P, Q870P, Q585P.
Identifiers: ClinVar variation 3653754 (VCV003653754.2).